The following is an entry in ClinVar:

ClinVar aggregate classification (germline): Uncertain significance (1 of 4 stars; one submission).

Submission:

Labcorp Genetics (formerly Invitae), Labcorp
Classification: Uncertain significance. Last evaluated: 2023-11-27. Review status: criteria provided, single submitter. Criteria: Invitae Variant Classification Sherloc (09022015). Collection method: clinical testing. Allele origin: germline.
Comment: This sequence change replaces methionine, which is neutral and non-polar, with threonine, which is neutral and polar, at codon 39 of the CFAP410 protein (p.Met39Thr). This variant is not present in population databases (gnomAD no frequency). This variant has not been reported in the literature in individuals affected with CFAP410-related conditions. ClinVar contains an entry for this variant (Variation ID: 1352865). Advanced modeling of protein sequence and biophysical properties (such as structural, functional, and spatial information, amino acid conservation, physicochemical variation, residue mobility, and thermodynamic stability) has been performed at Invitae for this missense variant, however the output from this modeling did not meet the statistical confidence thresholds required to predict the impact of this variant on CFAP410 protein function. In summary, the available evidence is currently insufficient to determine the role of this variant in disease. Therefore, it has been classified as a Variant of Uncertain Significance.

NM_004928.3(CFAP410):c.116T>C (p.Met39Thr)

Gene: CFAP410 (cilia and flagella associated protein 410; minus strand). Cytogenetic location: 21q22.3.
Variant type: single nucleotide variant.
Coding change: c.116T>C on transcript NM_004928.3 (MANE Select); coding-DNA position 116, T replaced by C.
Protein change: p.Met39Thr; replaces methionine 39 with threonine.
Molecular consequence: missense variant. On other transcripts: initiator codon variant (1).
Genome position (GRCh38, 1-based): chr21:44,335,785, A>G on the plus strand (T>C on the coding strand, the complement: CFAP410 is on the minus strand). VCF-style: chr21-44335785-A-G. GRCh37 (hg19) VCF-style: chr21-45755668-A-G.
Other names: c.116T>C, p.Met39Thr (NM_001271440.2, NM_001271441.2); c.2T>C, p.Met1Thr (NM_001271442.1); short protein forms M1T, M39T.
Identifiers: ClinVar variation 1352865 (VCV001352865.8), dbSNP rs2146079715, ClinGen allele CA410458899.